The following is an entry in ClinVar:

NM_000135.4(FANCA):c.2023G>C (p.Ala675Pro)

Gene: FANCA (FA complementation group A; minus strand). Cytogenetic location: 16q24.3.
Variant type: single nucleotide variant.
Coding change: c.2023G>C on transcript NM_000135.4 (MANE Select); coding-DNA position 2023, G replaced by C.
Protein change: p.Ala675Pro; replaces alanine 675 with proline.
Molecular consequence: missense variant.
Genome position (GRCh38, 1-based): chr16:89,771,806, C>G on the plus strand (G>C on the coding strand, the complement: FANCA is on the minus strand). VCF-style: chr16-89771806-C-G. GRCh37 (hg19) VCF-style: chr16-89838214-C-G.
Other names: c.2023G>C, p.Ala675Pro (NM_001286167.3); short protein forms A675P.
Identifiers: ClinVar variation 1524514 (VCV001524514.8), dbSNP rs752701423, ClinGen allele CA397448736.

ClinVar aggregate classification (germline): Uncertain significance (1 of 4 stars; one submission).

Conditions:
Fanconi anemia (FA). Also called: Fanconi's anemia. Identifiers: Orphanet 84, MedGen C0015625, MeSH D005199, MONDO:0019391.

gnomAD v4.1: 1 of 1,613,862 alleles (0.000062%); highest among the groups gnomAD compares: Non-Finnish European, 0.000085%; no homozygotes.

Submission:

Labcorp Genetics (formerly Invitae), Labcorp
Classification: Uncertain significance for Fanconi anemia. Last evaluated: 2021-04-09. Review status: criteria provided, single submitter. Criteria: Invitae Variant Classification Sherloc (09022015). Collection method: clinical testing. Allele origin: germline.
Comment: Advanced modeling of protein sequence and biophysical properties (such as structural, functional, and spatial information, amino acid conservation, physicochemical variation, residue mobility, and thermodynamic stability) performed at Invitae indicates that this missense variant is expected to disrupt FANCA protein function. In summary, the available evidence is currently insufficient to determine the role of this variant in disease. Therefore, it has been classified as a Variant of Uncertain Significance. This variant has not been reported in the literature in individuals with FANCA-related conditions. This variant is not present in population databases (ExAC no frequency). This sequence change replaces alanine with proline at codon 675 of the FANCA protein (p.Ala675Pro). The alanine residue is highly conserved and there is a small physicochemical difference between alanine and proline.